The following is an entry in ClinVar:

NM_001372044.2(SHANK3):c.474G>A (p.Thr158=)

Gene: SHANK3 (SH3 and multiple ankyrin repeat domains 3; plus strand). Cytogenetic location: 22q13.33.
Variant type: single nucleotide variant.
Coding change: c.474G>A on transcript NM_001372044.2 (MANE Select); coding-DNA position 474, G replaced by A.
Protein change: p.Thr158=; no amino-acid change (threonine 158 retained).
Molecular consequence: synonymous variant.
Genome position (GRCh38, 1-based): chr22:50,675,233, G>A. VCF-style: chr22-50675233-G-A. GRCh37 (hg19) VCF-style: chr22-51113661-G-A.
Identifiers: ClinVar variation 4823025 (VCV004823025.4).
Genomic context (GRCh38, chr22:50,675,233, plus strand): 5'-CGCCGGCAAGTTCCTGGATGAGGAGCGGCTCCTGCAGGAGTACCCGCCCAACCTGGACAC[G>A]CCCCTGCCCTACCTGGAGGTAAGTGGCCGGCGCGGGGGTGAGCTGAGGAGCGCGCAGGGT-3'
Protein context (NP_001358973.1, residues 148-168): LLQEYPPNLD[Thr158=]PLPYLEFRYK

ClinVar aggregate classification (germline): Likely benign (1 of 4 stars; one submission).

Submission:

CeGaT Center for Human Genetics Tuebingen
Classification: Likely benign. Last evaluated: 2026-03-01. Review status: criteria provided, single submitter. Criteria: CeGaT Center For Human Genetics Tuebingen Variant Classification Criteria Version 2. Collection method: clinical testing. Allele origin: germline. Affected: yes. Observed: 1 variant allele.
Comment: SHANK3: BP4, BP7